The following is an entry in ClinVar:

NM_005853.6(IRX5):c.1381C>A (p.Arg461=)

Gene: IRX5 (iroquois homeobox 5; plus strand). Cytogenetic location: 16q12.2.
Variant type: single nucleotide variant.
Coding change: c.1381C>A on transcript NM_005853.6 (MANE Select); coding-DNA position 1381, C replaced by A.
Protein change: p.Arg461=; no amino-acid change (arginine 461 retained).
Molecular consequence: synonymous variant.
Genome position (GRCh38, 1-based): chr16:54,933,802, C>A. VCF-style: chr16-54933802-C-A. GRCh37 (hg19) VCF-style: chr16-54967714-C-A.
Other names: c.1378C>A, p.Arg460= (NM_001252197.1).
Identifiers: ClinVar variation 2894362 (VCV002894362.23), dbSNP rs201200647, ClinGen allele CA8059384.

ClinVar aggregate classification (germline): Likely benign. Review status: criteria provided, multiple submitters, no conflicts (2 of 4 stars). 2 submissions from 2 submitters: Likely benign (2). Last evaluated 2026-07-01.

Submissions (2):

CeGaT Center for Human Genetics Tuebingen
Classification: Likely benign. Last evaluated: 2026-07-01. Review status: criteria provided, single submitter. Criteria: CeGaT Center For Human Genetics Tuebingen Variant Classification Criteria Version 2. Collection method: clinical testing. Allele origin: germline. Affected: yes. Observed: 5 variant alleles.
Comment: IRX5: BP4, BP7

Labcorp Genetics (formerly Invitae), Labcorp
Classification: Likely benign. Last evaluated: 2024-03-23. Review status: criteria provided, single submitter. Criteria: Invitae Variant Classification Sherloc (09022015). Collection method: clinical testing. Allele origin: germline.